The following is an entry in ClinVar:

NM_000264.5(PTCH1):c.3960A>G (p.Arg1320=)

Gene: PTCH1 (patched 1; minus strand). Cytogenetic location: 9q22.32.
Variant type: single nucleotide variant.
Coding change: c.3960A>G on transcript NM_000264.5 (MANE Select); coding-DNA position 3960, A replaced by G.
Protein change: p.Arg1320=; no amino-acid change (arginine 1320 retained).
Molecular consequence: synonymous variant. On other transcripts: non-coding transcript variant (1).
Genome position (GRCh38, 1-based): chr9:95,447,296, T>C on the plus strand (A>G on the coding strand, the complement: PTCH1 is on the minus strand). VCF-style: chr9-95447296-T-C. GRCh37 (hg19) VCF-style: chr9-98209578-T-C.
Other names: c.3960A>G (NM_000264.4); c.3762A>G, p.Arg1254= (NM_001083602.3); c.3957A>G, p.Arg1319= (NM_001083603.3); c.3507A>G, p.Arg1169= (NM_001083604.3, NM_001083605.3, NM_001083606.3 and 1 more transcripts); c.3804A>G, p.Arg1268= (NM_001354918.2).
Identifiers: ClinVar variation 195721 (VCV000195721.25), dbSNP rs371761874, ClinGen allele CA242278.

ClinVar aggregate classification (germline): Conflicting classifications of pathogenicity. Review status: criteria provided, conflicting classifications (1 of 4 stars). 4 submissions from 4 submitters: Uncertain significance (2); Likely benign (2). Last evaluated 2025-12-16.

Conditions:
Hereditary cancer-predisposing syndrome. Also called: Hereditary Cancer Syndrome; Tumor predisposition; Hereditary neoplastic syndrome; Neoplastic Syndromes, Hereditary. Identifiers: Orphanet 140162, MedGen C0027672, MeSH D009386, MONDO:0015356.
Gorlin syndrome. Also called: Nevoid Basal Cell Carcinoma Syndrome; Basal cell nevus syndrome. Identifiers: Orphanet 377, MedGen C0004779, MONDO:0007187.

Allele frequency attached by ClinVar (database versions not stated): gnomAD exomes below 0.00001 and 0.00002; ExAC 0.00001; TOPMed 0.00003; gnomAD 0.00004; ESP Exome Variant Server 0.00008.
gnomAD v4.1: 12 of 1,612,904 alleles (0.00074%); highest among the groups gnomAD compares: Middle Eastern, 0.017%; no homozygotes.

Submissions (4):

Labcorp Genetics (formerly Invitae), Labcorp
Classification: Likely benign for Gorlin syndrome. Last evaluated: 2025-12-16. Review status: criteria provided, single submitter. Criteria: Invitae Variant Classification Sherloc (09022015). Collection method: clinical testing. Allele origin: germline.

Quest Diagnostics Nichols Institute San Juan Capistrano
Classification: Uncertain significance. Last evaluated: 2024-03-13. Review status: criteria provided, single submitter. Criteria: Quest Diagnostics criteria. Collection method: clinical testing. Allele origin: unknown.
Comment: The PTCH1 c.3960A>G (p.Arg1320=) synonymous variant has not been reported in individuals with PTCH1-related conditions in the published literature. The frequency of this variant in the general population, 0.000016 (4/246166 chromosomes (Genome Aggregation Database)), is uninformative in the assessment of its pathogenicity. Analysis of this variant using software algorithms for the prediction of the effect of nucleotide changes on splicing yielded predictions that this variant does not affect PTCH1 mRNA splicing. Based on the available information, we are unable to determine the clinical significance of this variant.

Ambry Genetics
Classification: Likely benign for Hereditary cancer-predisposing syndrome. Last evaluated: 2019-05-24. Review status: criteria provided, single submitter. Criteria: Ambry Variant Classification Scheme 2023. Collection method: clinical testing. Allele origin: germline.

Eurofins Ntd Llc (ga)
Classification: Uncertain significance. Last evaluated: 2015-03-27. Review status: criteria provided, single submitter. Criteria: EGL Classification Definitions 2015. Collection method: clinical testing. Allele origin: germline. Observed: 1 variant allele, 1 heterozygote.